The following is an entry in ClinVar:

NM_001384140.1(PCDH15):c.3373+2T>C

Gene: PCDH15 (protocadherin related 15; minus strand). Cytogenetic location: 10q21.1.
Variant type: single nucleotide variant.
Coding change: c.3373+2T>C on transcript NM_001384140.1 (MANE Select); the canonical splice donor site of the intron after coding-DNA position 3373, T replaced by C.
Molecular consequence: splice donor variant.
Genome position (GRCh38, 1-based): chr10:53,938,813, A>G on the plus strand (T>C on the coding strand, the complement: PCDH15 is on the minus strand). VCF-style: chr10-53938813-A-G. GRCh37 (hg19) VCF-style: chr10-55698573-A-G.
Other names: c.3373+2T>C (NM_001354420.2, NM_001354429.2, NM_001142772.2 and 4 more transcripts); c.3388+2T>C (NM_001142771.2, NM_001142763.2); c.3394+2T>C (NM_001354411.2); c.3409+2T>C (NM_001142769.3); c.3307+2T>C (NM_001354404.2, NM_001142773.2, NM_001142768.2); c.3262+2T>C (NM_001142767.2); c.3160+2T>C (NM_001142765.2).
Identifiers: ClinVar variation 2677571 (VCV002677571.3), dbSNP rs2494600372, ClinGen allele CA376515836.

ClinVar aggregate classification (germline): Likely pathogenic. Review status: criteria provided, multiple submitters, no conflicts (2 of 4 stars). 2 submissions from 2 submitters: Likely pathogenic (2). Last evaluated 2024-04-25.

Conditions:
Autosomal recessive nonsyndromic hearing loss 23. Identifiers: Orphanet 90636, MedGen C1836027, MONDO:0012293, OMIM 609533.

gnomAD v4.1: 1 of 1,612,736 alleles (0.000062%); highest among the groups gnomAD compares: Non-Finnish European, 0.000085%; no homozygotes.

Submissions (2):

Labcorp Genetics (formerly Invitae), Labcorp
Classification: Likely pathogenic. Last evaluated: 2024-04-25. Review status: criteria provided, single submitter. Criteria: Invitae Variant Classification Sherloc (09022015). Collection method: clinical testing. Allele origin: germline.
Comment: This sequence change affects a donor splice site in intron 25 of the PCDH15 gene. It is expected to disrupt RNA splicing. Variants that disrupt the donor or acceptor splice site typically lead to a loss of protein function (PMID: 16199547), and loss-of-function variants in PCDH15 are known to be pathogenic (PMID: 11398101, 11487575, 14570705). This variant is not present in population databases (gnomAD no frequency). This variant has not been reported in the literature in individuals affected with PCDH15-related conditions. Algorithms developed to predict the effect of sequence changes on RNA splicing suggest that this variant may disrupt the consensus splice site. In summary, the currently available evidence indicates that the variant is pathogenic, but additional data are needed to prove that conclusively. Therefore, this variant has been classified as Likely Pathogenic.

Baylor Genetics
Classification: Likely pathogenic for Autosomal recessive nonsyndromic hearing loss 23. Last evaluated: 2022-09-10. Review status: criteria provided, single submitter. Criteria: ACMG Guidelines, 2015. Collection method: clinical testing. Allele origin: unknown.

Literature cited by the submitters: PubMed 16199547 (cited by Labcorp Genetics (formerly Invitae), Labcorp); PubMed 11398101 (cited by Labcorp Genetics (formerly Invitae), Labcorp); PubMed 11487575 (cited by Labcorp Genetics (formerly Invitae), Labcorp); PubMed 14570705 (cited by Labcorp Genetics (formerly Invitae), Labcorp).